The following is an entry in ClinVar:

ClinVar aggregate classification (germline): Likely pathogenic (1 of 4 stars; one submission).

Conditions:
Primary dilated cardiomyopathy (DCM). Also called: Dilated Cardiomyopathy. Identifiers: Orphanet 217604, MedGen C0007193, MeSH D002311, MONDO:0005021, HP:0001644. Inheritance: Various modes of inheritance.

Allele frequency attached by ClinVar (database versions not stated): gnomAD exomes below 0.00001.

Submission:

Cardiovascular Biomedical Research Unit, Royal Brompton & Harefield NHS Foundation Trust
Classification: Likely pathogenic for Primary dilated cardiomyopathy. Last evaluated: 2014-10-08. Review status: criteria provided, single submitter. Criteria: Roberts et al. 2015. Collection method: research. Allele origin: germline. Inheritance: Autosomal dominant inheritance. Affected: yes. Observed: 1 variant allele. Study: Familial DCM.
Comment: In the seven cohorts assessed, TTNtv were found in 14% of ambulant DCM, 22% end-stage or familial DCM, and 2% controls. Heterozygous nonsense, frameshift and canonical splice-disrupting variants found in constitutive and other highly utilised exons are highly likely to be pathogenic when identified in individuals with phenotypically confirmed DCM. TTNtv found incidentally in healthy individuals (excluding familial assessment of DCM relatives) are thought to have low penetrance, particularly when identified in exons that are not constitutively expressed in the heart.

NM_001267550.2(TTN):c.59352del (p.Glu19785fs)

Genes: TTN (titin; minus strand), TTN-AS1 (TTN antisense RNA 1; plus strand), LOC126806424 (CDK7 strongly-dependent group 2 enhancer GRCh37_chr2:179456337-179457536; plus strand). Cytogenetic location: 2q31.2.
Variant type: Deletion.
Coding change: c.59352del on transcript NM_001267550.2 (MANE Select); coding-DNA position 59352, one base deleted (T; older notation c.59352delT).
Protein change: p.Glu19785fs; shifts the reading frame from glutamic acid 19785.
Molecular consequence: frameshift variant.
Genome position (GRCh38, 1-based): chr2:178,592,653, A deleted on the plus strand (T on the coding strand, the reverse complement: TTN is on the minus strand). VCF-style (leftmost placement, unchanged base first): chr2-178592652-CA-C. GRCh37 (hg19) VCF-style: chr2-179457379-CA-C.
Other names: c.59352delT (LRG_391t1); c.54429del, p.Glu18144fs (NM_001256850.1); c.32157del, p.Glu10720fs (NM_003319.4); c.51648del, p.Glu17217fs (NM_133378.4); c.32532del, p.Glu10845fs (NM_133432.3); c.32733del, p.Glu10912fs (NM_133437.4); short protein forms E10720fs, E17217fs, E19785fs, E10845fs, E10912fs, E18144fs.
Identifiers: ClinVar variation 223375 (VCV000223375.1), dbSNP rs869312111, ClinGen allele CA353352.